The following is an entry in ClinVar:

ClinVar aggregate classification (germline): Conflicting classifications of pathogenicity. Review status: criteria provided, conflicting classifications (1 of 4 stars). 3 submissions from 3 submitters: Uncertain significance (1); Likely benign (2). Last evaluated 2025-10-21.

Conditions:
Focal segmental glomerulosclerosis 6 (FSGS6). Identifiers: Orphanet 656, MedGen C3279905, MONDO:0013589, OMIM 614131.

Submissions (3):

Labcorp Genetics (formerly Invitae), Labcorp
Classification: Likely benign. Last evaluated: 2025-10-21. Review status: criteria provided, single submitter. Criteria: Invitae Variant Classification Sherloc (09022015). Collection method: clinical testing. Allele origin: germline.

CeGaT Center for Human Genetics Tuebingen
Classification: Likely benign. Last evaluated: 2025-05-01. Review status: criteria provided, single submitter. Criteria: CeGaT Center For Human Genetics Tuebingen Variant Classification Criteria Version 2. Collection method: clinical testing. Allele origin: germline. Affected: yes. Observed: 1 variant allele.
Comment: MYO1E: BP4, BP7

Fulgent Genetics
Classification: Uncertain significance for Focal segmental glomerulosclerosis 6. Last evaluated: 2024-05-13. Review status: criteria provided, single submitter. Criteria: ACMG Guidelines, 2015. Collection method: clinical testing. Allele origin: germline.

NM_004998.4(MYO1E):c.1255C>T (p.Leu419=)

Gene: MYO1E (myosin IE; minus strand). Cytogenetic location: 15q22.2.
Variant type: single nucleotide variant.
Coding change: c.1255C>T on transcript NM_004998.4 (MANE Select); coding-DNA position 1255, C replaced by T.
Protein change: p.Leu419=; no amino-acid change (leucine 419 retained).
Molecular consequence: synonymous variant.
Genome position (GRCh38, 1-based): chr15:59,214,248, G>A on the plus strand (C>T on the coding strand, the complement: MYO1E is on the minus strand). VCF-style: chr15-59214248-G-A. GRCh37 (hg19) VCF-style: chr15-59506447-G-A.
Identifiers: ClinVar variation 3577560 (VCV003577560.12).